The following is an entry in ClinVar:

ClinVar aggregate classification (germline): Likely benign. Review status: criteria provided, multiple submitters, no conflicts (2 of 4 stars). 2 submissions from 2 submitters: Likely benign (2). Last evaluated 2023-12-02.

Conditions:
Fanconi anemia (FA). Also called: Fanconi's anemia. Identifiers: Orphanet 84, MedGen C0015625, MeSH D005199, MONDO:0019391.

Submissions (2):

Labcorp Genetics (formerly Invitae), Labcorp
Classification: Likely benign for Fanconi anemia. Last evaluated: 2023-12-02. Review status: criteria provided, single submitter. Criteria: Invitae Variant Classification Sherloc (09022015). Collection method: clinical testing. Allele origin: germline.

GeneDx
Classification: Likely benign. Last evaluated: 2015-11-30. Review status: criteria provided, single submitter. Criteria: GeneDx Variant Classification (06012015). Collection method: clinical testing. Allele origin: germline. Affected: yes.
Comment: This variant is considered likely benign or benign based on one or more of the following criteria: it is a conservative change, it occurs at a poorly conserved position in the protein, it is predicted to be benign by multiple in silico algorithms, and/or has population frequency not consistent with disease.

NM_000136.3(FANCC):c.138G>A (p.Arg46=)

Gene: FANCC (FA complementation group C; minus strand). Cytogenetic location: 9q22.32.
Variant type: single nucleotide variant.
Coding change: c.138G>A on transcript NM_000136.3 (MANE Select); coding-DNA position 138, G replaced by A.
Protein change: p.Arg46=; no amino-acid change (arginine 46 retained).
Molecular consequence: synonymous variant.
Genome position (GRCh38, 1-based): chr9:95,249,154, C>T on the plus strand (G>A on the coding strand, the complement: FANCC is on the minus strand). VCF-style: chr9-95249154-C-T. GRCh37 (hg19) VCF-style: chr9-98011436-C-T.
Other names: c.138G>A, p.Arg46= (NM_001243743.2, NM_001243744.2).
Identifiers: ClinVar variation 381938 (VCV000381938.4), dbSNP rs1057521212, ClinGen allele CA16605574.
Genomic context (GRCh38, chr9:95,249,154, plus strand): 5'-AAAATAATTTCATTATTCTGGTCCACTACTTACCATCTCTTTCAAGGCTTCATACATCTT[C>T]CTTAGGAACTCCTGGAACTGAGCCACGTGAAGACAGGTGTCTTGCTGGGTTTCCAAAGTG-3'
Protein context (NP_000127.2, residues 36-56): LHVAQFQEFL[Arg46=]KMYEALKEMD